The following is an entry in ClinVar:

ClinVar aggregate classification (germline): other (0 of 4 stars; one submission).

Conditions:
Familial colorectal cancer. Identifiers: MedGen CN280943, MONDO:0023113. Disease mechanism: loss of function.

Submission:

Systems Biology Platform Zhejiang California International NanoSystems Institute
Classification: other for Familial colorectal cancer. Review status: no assertion criteria provided. Collection method: not provided. Allele origin: unknown.
ClinVar note: Converted during submission from cancer to other.

NM_001127511.3(APC):c.165+20758G>T

Gene: APC (APC regulator of Wnt signaling pathway; plus strand). Cytogenetic location: 5q22.2.
Variant type: single nucleotide variant.
Coding change: c.165+20758G>T on transcript NM_001127511.3; 20758 bases into the intron after coding-DNA position 165, G replaced by T.
Molecular consequence: intron variant.
Genome position (GRCh38, 1-based): chr5:112,728,640, G>T. VCF-style: chr5-112728640-G-T. GRCh37 (hg19) VCF-style: chr5-112064337-G-T.
Other names: c.-1054+20758G>T (NM_001407470.1, NM_001407472.1); c.-19+20758G>T (NM_001407447.1, NM_001354895.2, NM_001407456.1 and 3 more transcripts); c.165+20758G>T (NM_001407446.1, NM_001354897.2, NM_001354902.2); c.-19+20991G>T (NM_001407448.1, NM_001407450.1, NM_001407457.1 and 1 more transcripts); c.-43+20991G>T (NM_001407453.1).
Identifiers: ClinVar variation 82292 (VCV000082292.4), dbSNP rs78388443, ClinGen allele CA023496.